The following is an entry in ClinVar:

NM_138694.4(PKHD1):c.10412T>G (p.Val3471Gly)

Gene: PKHD1 (PKHD1 ciliary IPT domain containing fibrocystin/polyductin; minus strand). Cytogenetic location: 6p12.3.
Variant type: single nucleotide variant.
Coding change: c.10412T>G on transcript NM_138694.4 (MANE Select); coding-DNA position 10412, T replaced by G.
Protein change: p.Val3471Gly; replaces valine 3471 with glycine.
Molecular consequence: missense variant.
Genome position (GRCh38, 1-based): chr6:51,659,714, A>C on the plus strand (T>G on the coding strand, the complement: PKHD1 is on the minus strand). VCF-style: chr6-51659714-A-C. GRCh37 (hg19) VCF-style: chr6-51524512-A-C.
Other names: short protein forms V3471G.
Identifiers: ClinVar variation 4115 (VCV000004115.11), dbSNP rs137852950, ClinGen allele CA253016.

ClinVar aggregate classification (germline): Pathogenic/Likely pathogenic. Review status: criteria provided, multiple submitters, no conflicts (2 of 4 stars). 6 submissions from 6 submitters: Pathogenic (3); Likely pathogenic (2). 1 of the submissions does not count toward it. Last evaluated 2024-11-29.

Conditions:
PKHD1-related disorder. Also called: PKHD1-related condition.
Polycystic kidney disease 4 (PKD4). Also called: POLYCYSTIC KIDNEY DISEASE 4 WITH OR WITHOUT POLYCYSTIC LIVER DISEASE; PKD3; POLYCYSTIC KIDNEY AND HEPATIC DISEASE 1; POLYCYSTIC KIDNEY DISEASE, INFANTILE, TYPE I; Autosomal Recessive Polycystic Kidney Disease – PKHD1. Identifiers: MedGen C4540575, MONDO:0033004, OMIM 263200.
Autosomal recessive polycystic kidney disease (ARPKD). Also called: AR polycystic kidney disease. Identifiers: Orphanet 731, Orphanet 8378, MedGen C0085548, MeSH D017044, MONDO:0009889.

Allele frequency attached by ClinVar (database versions not stated): ExAC 0.00006; gnomAD exomes 0.00007; gnomAD 0.00008 and 0.00009.
gnomAD v4.1: 54 of 1,613,742 alleles (0.0033%); no homozygotes.

Submissions (6):

Natera, Inc.
Classification: Pathogenic for Autosomal recessive polycystic kidney disease. Last evaluated: 2024-11-29. Review status: criteria provided, single submitter. Criteria: Natera Variant Classification Schema (03/2026). Collection method: clinical testing. Allele origin: germline.
Comment: The c.10412T>G variant in PKHD1 is a missense variant predicted to cause substitution of valine to glycine at amino acid 3471. This variant is rare in the general population with a frequency below the threshold expected for the associated phenotype(s). This variant has been observed in one or more individuals affected with the associated recessive disease, as either homozygous or compound heterozygous with a second variant (PMID: 12506140). Additionally, this variant has been observed to segregate in affected family members (PMID: 12506140). Computational prediction algorithms indicate this variant is likely to affect gene or protein function. Given the available evidence, this variant is classified as Pathogenic.

Blueprint Genetics
Classification: Pathogenic for PKHD1-related disorders. Last evaluated: 2023-08-01. Review status: criteria provided, single submitter. Criteria: ACMG Guidelines, 2015. Collection method: clinical testing. Allele origin: germline. Affected: yes. Observed: 5 variant alleles.

Labcorp Genetics (formerly Invitae), Labcorp
Classification: Pathogenic for Autosomal recessive polycystic kidney disease. Last evaluated: 2023-03-27. Review status: criteria provided, single submitter. Criteria: Invitae Variant Classification Sherloc (09022015). Collection method: clinical testing. Allele origin: germline.
Comment: For these reasons, this variant has been classified as Pathogenic. Advanced modeling of protein sequence and biophysical properties (such as structural, functional, and spatial information, amino acid conservation, physicochemical variation, residue mobility, and thermodynamic stability) performed at Invitae indicates that this missense variant is expected to disrupt PKHD1 protein function. ClinVar contains an entry for this variant (Variation ID: 4115). This missense change has been observed in individual(s) with polycystic kidney disease (PMID: 12506140). In at least one individual the data is consistent with being in trans (on the opposite chromosome) from a pathogenic variant. This variant is present in population databases (rs137852950, gnomAD 0.07%). This sequence change replaces valine, which is neutral and non-polar, with glycine, which is neutral and non-polar, at codon 3471 of the PKHD1 protein (p.Val3471Gly).

Baylor Genetics
Classification: Likely pathogenic for Polycystic kidney disease 4. Last evaluated: 2022-12-29. Review status: criteria provided, single submitter. Criteria: ACMG Guidelines, 2015. Collection method: clinical testing. Allele origin: unknown.

Department of Pathology and Laboratory Medicine, Sinai Health System
Classification: Likely pathogenic for Polycystic kidney disease 4. Last evaluated: 2022-08-15. Review status: criteria provided, single submitter. Criteria: ACMG Guidelines, 2015. Collection method: clinical testing. Allele origin: germline. Affected: yes.

OMIM
Classification: Pathogenic for POLYCYSTIC KIDNEY DISEASE 4. Last evaluated: 2003-01-01. Review status: no assertion criteria provided. Collection method: literature only. Allele origin: germline. Not counted in ClinVar's aggregate classification.

Literature cited by the submitters: PubMed 12506140 (cited by 4 submitters).